The following is an entry in ClinVar:

ClinVar aggregate classification (germline): Uncertain significance (1 of 4 stars; one submission).

Conditions:
Hereditary pulmonary alveolar proteinosis. Also called: Pulmonary surfactant metabolism dysfunction. Identifiers: Orphanet 264675, MedGen C3711368, MONDO:0012580.

Submission:

Ambry Genetics
Classification: Uncertain significance for Hereditary pulmonary alveolar proteinosis. Last evaluated: 2024-02-22. Review status: criteria provided, single submitter. Criteria: Ambry Variant Classification Scheme 2023. Collection method: clinical testing. Allele origin: germline.
Comment: The p.V763L variant (also known as c.2287G>C), located in coding exon 15 of the ABCA3 gene, results from a G to C substitution at nucleotide position 2287. The valine at codon 763 is replaced by leucine, an amino acid with highly similar properties. This amino acid position is conserved. In addition, the in silico prediction for this alteration is inconclusive. Based on the available evidence, the clinical significance of this alteration remains unclear.

NM_001089.3(ABCA3):c.2287G>C (p.Val763Leu)

Gene: ABCA3 (ATP binding cassette subfamily A member 3; minus strand). Cytogenetic location: 16p13.3.
Variant type: single nucleotide variant.
Coding change: c.2287G>C on transcript NM_001089.3 (MANE Select); coding-DNA position 2287, G replaced by C.
Protein change: p.Val763Leu; replaces valine 763 with leucine.
Molecular consequence: missense variant.
Genome position (GRCh38, 1-based): chr16:2,295,717, C>G on the plus strand (G>C on the coding strand, the complement: ABCA3 is on the minus strand). VCF-style: chr16-2295717-C-G. GRCh37 (hg19) VCF-style: chr16-2345718-C-G.
Other names: short protein forms V763L.
Identifiers: ClinVar variation 3232697 (VCV003232697.1), dbSNP rs2505637593, ClinGen allele CA394329134.